The following is an entry in ClinVar:

ClinVar aggregate classification (germline): Uncertain significance (1 of 4 stars; one submission).

Allele frequency attached by ClinVar (database versions not stated): gnomAD 0.00001; gnomAD exomes 0.00001; TOPMed 0.00001.
gnomAD v4.1: 7 of 1,540,384 alleles (0.00045%); highest among the groups gnomAD compares: Non-Finnish European, 0.00061%; no homozygotes.

Submission:

Labcorp Genetics (formerly Invitae), Labcorp
Classification: Uncertain significance. Last evaluated: 2021-04-16. Review status: criteria provided, single submitter. Criteria: Invitae Variant Classification Sherloc (09022015). Collection method: clinical testing. Allele origin: germline.
Comment: In summary, the available evidence is currently insufficient to determine the role of this variant in disease. Therefore, it has been classified as a Variant of Uncertain Significance. Algorithms developed to predict the effect of missense changes on protein structure and function (SIFT, PolyPhen-2, Align-GVGD) all suggest that this variant is likely to be tolerated, but these predictions have not been confirmed by published functional studies and their clinical significance is uncertain. This variant has not been reported in the literature in individuals with HES7-related conditions. This variant is not present in population databases (ExAC no frequency). This sequence change replaces leucine with valine at codon 158 of the HES7 protein (p.Leu158Val). The leucine residue is moderately conserved and there is a small physicochemical difference between leucine and valine.

NM_001165967.2(HES7):c.487C>G (p.Leu163Val)

Genes: HES7 (hes family bHLH transcription factor 7; minus strand), LOC130060203 (ATAC-STARR-seq lymphoblastoid silent region 8155; plus strand). Cytogenetic location: 17p13.1.
Variant type: single nucleotide variant.
Coding change: c.487C>G on transcript NM_001165967.2 (MANE Select); coding-DNA position 487, C replaced by G.
Protein change: p.Leu163Val; replaces leucine 163 with valine.
Molecular consequence: missense variant.
Genome position (GRCh38, 1-based): chr17:8,121,777, G>C on the plus strand (C>G on the coding strand, the complement: HES7 is on the minus strand). VCF-style: chr17-8121777-G-C. GRCh37 (hg19) VCF-style: chr17-8025095-G-C.
Other names: c.472C>G, p.Leu158Val (NM_032580.4); short protein forms L163V, L158V.
Identifiers: ClinVar variation 1516945 (VCV001516945.8), dbSNP rs1177454553, ClinGen allele CA397987932.